The following is an entry in ClinVar:

ClinVar aggregate classification (germline): Pathogenic (1 of 4 stars; one submission).

Allele frequency attached by ClinVar (database versions not stated): gnomAD exomes below 0.00001; ExAC 0.00001.

Submission:

Labcorp Genetics (formerly Invitae), Labcorp
Classification: Pathogenic. Last evaluated: 2023-07-07. Review status: criteria provided, single submitter. Criteria: Invitae Variant Classification Sherloc (09022015). Collection method: clinical testing. Allele origin: germline.
Comment: This variant has not been reported in the literature in individuals affected with ADAMTSL4-related conditions. For these reasons, this variant has been classified as Pathogenic. This variant is present in population databases (rs762836841, gnomAD 0.003%). This sequence change creates a premature translational stop signal (p.Gln58*) in the ADAMTSL4 gene. It is expected to result in an absent or disrupted protein product. Loss-of-function variants in ADAMTSL4 are known to be pathogenic (PMID: 20564469, 28642162).

Literature cited by the submitters: PubMed 20564469; PubMed 28642162.

NM_019032.6(ADAMTSL4):c.172C>T (p.Gln58Ter)

Genes: ADAMTSL4-AS2 (ADAMTSL4 antisense RNA 2; minus strand), ADAMTSL4 (ADAMTS like 4; plus strand). Cytogenetic location: 1q21.2.
Variant type: single nucleotide variant.
Coding change: c.172C>T on transcript NM_019032.6 (MANE Select); coding-DNA position 172, C replaced by T.
Protein change: p.Gln58Ter; replaces glutamine 58 with a stop codon.
Molecular consequence: nonsense.
Genome position (GRCh38, 1-based): chr1:150,552,991, C>T. VCF-style: chr1-150552991-C-T. GRCh37 (hg19) VCF-style: chr1-150525467-C-T.
Other names: c.172C>T, p.Gln58Ter (NM_001288607.2, NM_001288608.2, NM_001378596.1 and 1 more transcripts); short protein forms Q58*.
Identifiers: ClinVar variation 2731693 (VCV002731693.3), dbSNP rs762836841, ClinGen allele CA1077887.